The following is an entry in ClinVar:

NM_004859.4(CLTC):c.4292A>G (p.Asp1431Gly)

Genes: CLTC (clathrin heavy chain; plus strand), LOC126862609 (CDK7 strongly-dependent group 2 enhancer GRCh37_chr17:57760547-57761746; plus strand). Cytogenetic location: 17q23.1.
Variant type: single nucleotide variant.
Coding change: c.4292A>G on transcript NM_004859.4 (MANE Select); coding-DNA position 4292, A replaced by G.
Protein change: p.Asp1431Gly; replaces aspartic acid 1431 with glycine.
Molecular consequence: missense variant.
Genome position (GRCh38, 1-based): chr17:59,683,725, A>G. VCF-style: chr17-59683725-A-G. GRCh37 (hg19) VCF-style: chr17-57761086-A-G.
Other names: c.4304A>G, p.Asp1435Gly (NM_001288653.2); short protein forms D1431G, D1435G.
Identifiers: ClinVar variation 1721129 (VCV001721129.6), dbSNP rs2509155128, ClinGen allele CA400421280.
Genomic context (GRCh38, chr17:59,683,725, plus strand): 5'-ACTTAGAATTCAAGCCTCTGTTGTTAAATGATTTGCTGATGGTGCTGTCTCCACGGTTGG[A>G]TCACACTCGTGCAGTCAATTATTTCAGCAAGGTAAAGTAATAATTTTAAACCAAAGCTTC-3'
Protein context (NP_004850.1, residues 1421-1441): DLLMVLSPRL[Asp1431Gly]HTRAVNYFSK

ClinVar aggregate classification (germline): Pathogenic (1 of 4 stars; one submission).

Submission:

Labcorp Genetics (formerly Invitae), Labcorp
Classification: Pathogenic. Last evaluated: 2022-12-12. Review status: criteria provided, single submitter. Criteria: Invitae Variant Classification Sherloc (09022015). Collection method: clinical testing. Allele origin: germline.
Comment: For these reasons, this variant has been classified as Pathogenic. Advanced modeling of protein sequence and biophysical properties (such as structural, functional, and spatial information, amino acid conservation, physicochemical variation, residue mobility, and thermodynamic stability) performed at Invitae indicates that this missense variant is expected to disrupt CLTC protein function. ClinVar contains an entry for this variant (Variation ID: 1721129). This missense change has been observed in individual(s) with clinical features of CLTC-related conditions (Invitae). In at least one individual the variant was observed to be de novo. This variant is not present in population databases (gnomAD no frequency). This sequence change replaces aspartic acid, which is acidic and polar, with glycine, which is neutral and non-polar, at codon 1435 of the CLTC protein (p.Asp1435Gly).